The following is an entry in ClinVar:

NM_003242.6(TGFBR2):c.912A>G (p.Ile304Met)

Gene: TGFBR2 (transforming growth factor beta receptor 2; plus strand). Cytogenetic location: 3p24.1.
Variant type: single nucleotide variant.
Coding change: c.912A>G on transcript NM_003242.6 (MANE Select); coding-DNA position 912, A replaced by G.
Protein change: p.Ile304Met; replaces isoleucine 304 with methionine.
Molecular consequence: missense variant. On other transcripts: intron variant (1).
Genome position (GRCh38, 1-based): chr3:30,672,095, A>G. VCF-style: chr3-30672095-A-G. GRCh37 (hg19) VCF-style: chr3-30713587-A-G.
Other names: c.987A>G, p.Ile329Met (NM_001024847.3); c.1095A>G, p.Ile365Met (NM_001407126.1); c.1020A>G, p.Ile340Met (NM_001407127.1); c.939A>G, p.Ile313Met (NM_001407128.1); c.915A>G, p.Ile305Met (NM_001407129.1); c.912A>G, p.Ile304Met (NM_001407130.1); c.807A>G, p.Ile269Met (NM_001407132.1, NM_001407133.1, NM_001407134.1 and 2 more transcripts); c.627A>G, p.Ile209Met (NM_001407137.1); and 2 more; short protein forms I209M, I304M, I305M, I365M, I340M, I269M, I313M, I184M.
Identifiers: ClinVar variation 2614226 (VCV002614226.3), dbSNP rs1699350725, ClinGen allele CA351808153.

ClinVar aggregate classification (germline): Uncertain significance. Review status: criteria provided, multiple submitters, no conflicts (2 of 4 stars). 2 submissions from 2 submitters: Uncertain significance (2). Last evaluated 2024-01-10.

Conditions:
Familial thoracic aortic aneurysm and aortic dissection (TAAD). Also called: Thoracic aortic aneurysms and dissections. Identifiers: Orphanet 91387, MedGen C4707243, MONDO:0019625.

Allele frequency attached by ClinVar (database versions not stated): TOPMed below 0.00001.

Submissions (2):

GeneDx
Classification: Uncertain significance. Last evaluated: 2024-01-10. Review status: criteria provided, single submitter. Criteria: GeneDx Variant Classification Process June 2021. Collection method: clinical testing. Allele origin: germline. Affected: yes.
Comment: Not observed at significant frequency in large population cohorts (gnomAD); In silico analysis supports that this missense variant does not alter protein structure/function; Has not been previously published as pathogenic or benign to our knowledge

Ambry Genetics
Classification: Uncertain significance for Familial thoracic aortic aneurysm and aortic dissection. Last evaluated: 2023-07-25. Review status: criteria provided, single submitter. Criteria: Ambry Variant Classification Scheme 2023. Collection method: clinical testing. Allele origin: germline.